The following is an entry in ClinVar:

ClinVar aggregate classification (germline): Likely pathogenic (1 of 4 stars; one submission).

Conditions:
Intellectual developmental disorder, autosomal dominant 55, with seizures. Also called: MENTAL RETARDATION, AUTOSOMAL DOMINANT 55, WITH SEIZURES; Intellectual disability, autosomal dominant 55, with seizures. Identifiers: MedGen C4693371, MONDO:0030921, OMIM 617831.

Submission:

Diagnostics Services (NGS), CSIR - Centre For Cellular And Molecular Biology
Classification: Likely pathogenic for Intellectual developmental disorder, autosomal dominant 55, with seizures. Last evaluated: 2026-04-28. Review status: criteria provided, single submitter. Criteria: ACMG Guidelines, 2015. Collection method: clinical testing. Allele origin: germline. Affected: yes. Observed: 1 variant allele, 1 heterozygote.
Comment: The c.542-1G>C variant is not present in publicly available population databases like 1000 Genomes, gnomAD, EVS, Indian Exome Database or our internal database. This variant has neither been published in the literature for NUS1-related conditions nor reported to clinical databases like Human Genome Mutation Database (HGMD), ClinVar or OMIM in any affected individuals. Algorithms developed to predict the effect of sequence changes on RNA splicing suggest that this variant can disrupt the consensus splice site. In-silico pathogenicity prediction programs like HSF3.1, MutationTaster2, CADD, Varsome etc predicted the variant to be likely deleterious, however these predictions were not confirmed by published functional/translational studies.

NM_138459.5(NUS1):c.542-1G>C

Gene: NUS1 (NUS1 dehydrodolichyl diphosphate synthase subunit; plus strand). Cytogenetic location: 6q22.1.
Variant type: single nucleotide variant.
Coding change: c.542-1G>C on transcript NM_138459.5 (MANE Select); the canonical splice acceptor site of the intron before coding-DNA position 542, G replaced by C.
Molecular consequence: splice acceptor variant.
Genome position (GRCh38, 1-based): chr6:117,694,030, G>C. VCF-style: chr6-117694030-G-C. GRCh37 (hg19) VCF-style: chr6-118015193-G-C.
Identifiers: ClinVar variation 4852785 (VCV004852785.1).